The following is an entry in ClinVar:

ClinVar aggregate classification (germline): Uncertain significance (1 of 4 stars; one submission).

Allele frequency attached by ClinVar (database versions not stated): gnomAD 0.00002; ExAC 0.00004.
gnomAD v4.1: 33 of 1,614,106 alleles (0.002%); highest among the groups gnomAD compares: South Asian, 0.029%; no homozygotes.

Submission:

CeGaT Center for Human Genetics Tuebingen
Classification: Uncertain significance. Last evaluated: 2023-10-01. Review status: criteria provided, single submitter. Criteria: CeGaT Center For Human Genetics Tuebingen Variant Classification Criteria Version 2. Collection method: clinical testing. Allele origin: germline. Affected: yes. Observed: 3 variant alleles.
Comment: PKD1L1: PM2, PM3:Supporting, PP4, BP4

NM_138295.5(PKD1L1):c.5879C>A (p.Ser1960Tyr)

Gene: PKD1L1 (polycystin 1 like 1, transient receptor potential channel interacting; minus strand). Cytogenetic location: 7p12.3.
Variant type: single nucleotide variant.
Coding change: c.5879C>A on transcript NM_138295.5 (MANE Select); coding-DNA position 5879, C replaced by A.
Protein change: p.Ser1960Tyr; replaces serine 1960 with tyrosine.
Molecular consequence: missense variant.
Genome position (GRCh38, 1-based): chr7:47,836,985, G>T on the plus strand (C>A on the coding strand, the complement: PKD1L1 is on the minus strand). VCF-style: chr7-47836985-G-T. GRCh37 (hg19) VCF-style: chr7-47876583-G-T.
Other names: short protein forms S1960Y.
Identifiers: ClinVar variation 2657457 (VCV002657457.24), dbSNP rs778907379, ClinGen allele CA4252690.